The following is an entry in ClinVar:

ClinVar aggregate classification (germline): Pathogenic (1 of 4 stars; one submission).

Conditions:
Primary ciliary dyskinesia. Also called: Ciliary dyskinesia. Identifiers: Orphanet 244, MedGen C0008780, MONDO:0016575, HP:0012265.

Submission:

Labcorp Genetics (formerly Invitae), Labcorp
Classification: Pathogenic for Primary ciliary dyskinesia. Last evaluated: 2025-09-26. Review status: criteria provided, single submitter. Criteria: Invitae Variant Classification Sherloc (09022015). Collection method: clinical testing. Allele origin: germline.
Comment: This sequence change creates a premature translational stop signal (p.Leu752Trpfs*8) in the CCDC40 gene. It is expected to result in an absent or disrupted protein product. Loss-of-function variants in CCDC40 are known to be pathogenic (PMID: 21131974, 22693285, 23255504). This variant is present in population databases (no rsID available, gnomAD 0.003%). This variant has not been reported in the literature in individuals affected with CCDC40-related conditions. For these reasons, this variant has been classified as Pathogenic.

Literature cited by the submitters: PubMed 21131974; PubMed 22693285; PubMed 23255504.

NM_017950.4(CCDC40):c.2250del (p.Leu752fs)

Gene: CCDC40 (coiled-coil domain 40 molecular ruler complex subunit; plus strand). Cytogenetic location: 17q25.3.
Variant type: Deletion.
Coding change: c.2250del on transcript NM_017950.4 (MANE Select); coding-DNA position 2250, one base deleted (G; older notation c.2250delG).
Protein change: p.Leu752fs; shifts the reading frame from leucine 752.
Molecular consequence: frameshift variant.
Genome position (GRCh38, 1-based): chr17:80,086,017, G deleted; the last of 4 consecutive G bases (chr17:80,086,014-80,086,017); deleting any one gives the same sequence. VCF-style (leftmost placement, unchanged base first): chr17-80086013-TG-T. GRCh37 (hg19) VCF-style: chr17-78059812-TG-T.
Other names: c.2250del, p.Leu752fs (NM_001243342.2); short protein forms L752fs.
Identifiers: ClinVar variation 4807810 (VCV004807810.1).
Genomic context (GRCh38, chr17:80,086,013, plus strand): 5'-AGTCACTGCGCCCAGCCCTAATTTTGCTTTTTGATGAATATCCGGTCTAGGGGGAAGAAG[TG>T]GGGCCCCTGGAGCTTGAAATCAAAAGGCTGAGCAAGCTGATCGACGAGCACGATGGCAAG-3'